The following is an entry in ClinVar:

ClinVar aggregate classification (germline): Conflicting classifications of pathogenicity. Review status: criteria provided, conflicting classifications (1 of 4 stars). 3 submissions from 3 submitters: Likely pathogenic (1); Uncertain significance (2). Last evaluated 2025-10-20.

Conditions:
Leukoencephalopathy with calcifications and cysts. Also called: LABRUNE SYNDROME; Leukoencephalopathy, brain calcifications, and cysts. Identifiers: Orphanet 542310, MedGen C3281200, MONDO:0013803, OMIM 614561.

gnomAD v4.1: 14 of 765,376 alleles (0.0018%); highest among the groups gnomAD compares: Admixed American, 0.01%; no homozygotes.

Submissions (3):

Institute of Human Genetics, University of Leipzig Medical Center
Classification: Likely pathogenic for Leukoencephalopathy with calcifications and cysts. Last evaluated: 2025-10-20. Review status: criteria provided, single submitter. Criteria: ACMG Guidelines, 2015. Collection method: clinical testing. Allele origin: unknown. Inheritance: Autosomal recessive inheritance. Affected: yes.
Comment: Criteria applied: PM1, PM3, PM2

CeGaT Center for Human Genetics Tuebingen
Classification: Uncertain significance. Last evaluated: 2024-11-01. Review status: criteria provided, single submitter. Criteria: CeGaT Center For Human Genetics Tuebingen Variant Classification Criteria Version 2. Collection method: clinical testing. Allele origin: germline. Affected: yes. Observed: 1 variant allele.
Comment: SNORD118: PM1, PM3, PM2:Supporting

Labcorp Genetics (formerly Invitae), Labcorp
Classification: Uncertain significance. Last evaluated: 2023-10-14. Review status: criteria provided, single submitter. Criteria: Invitae Variant Classification Sherloc (09022015). Collection method: clinical testing. Allele origin: germline.
Comment: This variant occurs in the SNORD118 gene, which encodes an RNA molecule that does not result in a protein product. This variant is present in population databases (rs551698259, gnomAD 0.006%). This variant has not been reported in the literature in individuals affected with SNORD118-related conditions. ClinVar contains an entry for this variant (Variation ID: 1922719). Experimental studies and prediction algorithms are not available or were not evaluated, and the functional significance of this variant is currently unknown. In summary, the available evidence is currently insufficient to determine the role of this variant in disease. Therefore, it has been classified as a Variant of Uncertain Significance.

NR_033294.2(SNORD118):n.66A>C

Genes: SNORD118 (small nucleolar RNA, C/D box 118; minus strand), TMEM107 (transmembrane protein 107; minus strand). Cytogenetic location: 17p13.1.
Variant type: single nucleotide variant.
Molecular consequence: non-coding transcript variant (on NR_033294.2). On other transcripts: 3 prime UTR variant (5).
Genome position: GRCh38 VCF-style: chr17-8173523-T-G. GRCh37 (hg19) VCF-style: chr17-8076841-T-G.
Other names: c.*680A>C (NM_001351278.2, NM_001351279.2, NM_001351280.2 and 2 more transcripts).
Identifiers: ClinVar variation 1922719 (VCV001922719.20), dbSNP rs551698259, ClinGen allele CA287524293.
Genomic context (GRCh38, chr17:8,173,523, plus strand): 5'-GAGCAATCAGGGTGTTGCAAGTCCTGATTACGCAGAGACGTTAATCACGTTTCATGCATC[T>G]CCAATCATCATGTTCTAATCTGCCCTCCGGAGGAGGAACAGGTAAGGATTATCCCACCTG-3'